The following is an entry in ClinVar:

NM_213599.3(ANO5):c.618CTT[1] (p.Phe208del)

Gene: ANO5 (anoctamin 5; plus strand). Cytogenetic location: 11p14.3.
Variant type: Microsatellite.
Coding change: c.618CTT[1] on transcript NM_213599.3 (MANE Select); one copy of the 3-base unit CTT starting at c.618; the reference has two copies in a row; one copy, 3 bases deleted.
Protein change: p.Phe208del; deletes phenylalanine 208.
Molecular consequence: inframe deletion.
Genome position (GRCh38, 1-based): chr11:22,227,559-22,227,561, CTT deleted; deleting any 3 consecutive bases within chr11:22,227,556-22,227,561 gives the same sequence; the position shown is the placement nearest the transcript's 3' end. VCF-style (leftmost placement, unchanged base first): chr11-22227555-CCTT-C. GRCh37 (hg19) VCF-style: chr11-22249101-CCTT-C.
Other names: c.621_623delCTT (NM_213599.2); c.615CTT[1], p.Phe207del (NM_001142649.2); short protein forms F208del, F207del.
Identifiers: ClinVar variation 501737 (VCV000501737.15), dbSNP rs774304728, ClinGen allele CA5922959.
Genomic context (GRCh38, chr11:22,227,555, plus strand): 5'-ATTTTACTGCACAATTCAGCAGACATCGGCAGGAGCTCTTCCTCATCGAAGATCAGGCAA[CCTT>C]CTTTCCATCCTCATCAAGAAACAGAATTGTAGGTAGAGAAGACCTTTGGGCACATCCCTT-3'

ClinVar aggregate classification (germline): Uncertain significance. Review status: criteria provided, multiple submitters, no conflicts (2 of 4 stars). 4 submissions from 4 submitters: Uncertain significance (4). Last evaluated 2026-02-01.

Conditions:
Gnathodiaphyseal dysplasia (GDD). Also called: GNATHODIAPHYSEAL SCLEROSIS; OSTEOGENESIS IMPERFECTA WITH UNUSUAL SKELETAL LESIONS. Identifiers: Orphanet 53697, MedGen C1833736, MONDO:0008151, OMIM 166260.
Autosomal recessive limb-girdle muscular dystrophy type 2L (LGMDR12). Also called: MUSCULAR DYSTROPHY, LIMB-GIRDLE, AUTOSOMAL RECESSIVE 12; Limb-Girdle Muscular Dystrophy R12 Anoctamin-5-Related (LGMD-R12); Limb-girdle muscular dystrophy, type 2L. Identifiers: Orphanet 206549, MedGen C1969785, MONDO:0012652, OMIM 611307.

Submissions (4):

Labcorp Genetics (formerly Invitae), Labcorp
Classification: Uncertain significance for Autosomal recessive limb-girdle muscular dystrophy type 2L; Gnathodiaphyseal dysplasia. Last evaluated: 2026-02-01. Review status: criteria provided, single submitter. Criteria: Invitae Variant Classification Sherloc (09022015). Collection method: clinical testing. Allele origin: germline.
Comment: This variant, c.621_623del, results in the deletion of 1 amino acid(s) of the ANO5 protein (p.Phe208del), but otherwise preserves the integrity of the reading frame. This variant is present in population databases (rs774304728, gnomAD 0.04%). This variant has not been reported in the literature in individuals affected with ANO5-related conditions. ClinVar contains an entry for this variant (Variation ID: 501737). Experimental studies and prediction algorithms are not available or were not evaluated, and the functional significance of this variant is currently unknown. In summary, the available evidence is currently insufficient to determine the role of this variant in disease. Therefore, it has been classified as a Variant of Uncertain Significance.

GeneDx
Classification: Uncertain significance. Last evaluated: 2024-09-04. Review status: criteria provided, single submitter. Criteria: GeneDx Variant Classification Process June 2021. Collection method: clinical testing. Allele origin: germline. Affected: yes.
Comment: In-frame deletion of 1 of amino acid in a non-repeat region; In silico analysis supports a deleterious effect on protein structure/function; Has not been previously published as pathogenic or benign to our knowledge

Athena Diagnostics
Classification: Uncertain significance. Last evaluated: 2020-11-10. Review status: criteria provided, single submitter. Criteria: Athena Diagnostics criteria. Collection method: clinical testing. Allele origin: unknown.

Eurofins Ntd Llc (ga)
Classification: Uncertain significance. Last evaluated: 2017-05-04. Review status: criteria provided, single submitter. Criteria: EGL Classification Definitions 2015. Collection method: clinical testing. Allele origin: germline. Observed: 1 variant allele, 1 heterozygote.